The following is an entry in ClinVar:

ClinVar aggregate classification (germline): Likely pathogenic (0 of 4 stars; one submission).

Conditions:
NUP188-related disorder. Also called: NUP188-related condition.

Submission:

PreventionGenetics, part of Exact Sciences
Classification: Likely pathogenic for NUP188-related condition. Last evaluated: 2024-04-10. Review status: no assertion criteria provided. Collection method: clinical testing. Allele origin: germline.
Comment: The NUP188 c.2573dupA variant is predicted to result in premature protein termination (p.Tyr858*). To our knowledge, this variant has not been reported in the literature or in a large population database, indicating this variant is rare. Nonsense variants in NUP188 are expected to be pathogenic. This variant is interpreted as likely pathogenic.

NM_015354.3(NUP188):c.2573dup (p.Tyr858Ter)

Gene: NUP188 (nucleoporin 188; plus strand). Cytogenetic location: 9q34.11.
Variant type: Duplication.
Coding change: c.2573dup on transcript NM_015354.3 (MANE Select); coding-DNA position 2573, one base duplicated (A; older notation c.2573dupA).
Protein change: p.Tyr858Ter; replaces tyrosine 858 with a stop codon.
Molecular consequence: nonsense.
Genome position (GRCh38, 1-based): chr9:128,990,159, A duplicated. VCF-style (leftmost placement, unchanged base first): chr9-128990158-T-TA. GRCh37 (hg19) VCF-style: chr9-131752437-T-TA.
Other names: short protein forms Y858*.
Identifiers: ClinVar variation 3349458 (VCV003349458.1).